The following is an entry in ClinVar:

NM_001142864.4(PIEZO1):c.2492C>T (p.Ser831Leu)

Genes: HSALR1 (HSP90AB1 associated lncRNA 1; plus strand), PIEZO1 (piezo type mechanosensitive ion channel component 1 (Er blood group); minus strand). Cytogenetic location: 16q24.3.
Variant type: single nucleotide variant.
Coding change: c.2492C>T on transcript NM_001142864.4 (MANE Select); coding-DNA position 2492, C replaced by T.
Protein change: p.Ser831Leu; replaces serine 831 with leucine.
Molecular consequence: missense variant.
Genome position (GRCh38, 1-based): chr16:88,733,450, G>A on the plus strand (C>T on the coding strand, the complement: PIEZO1 is on the minus strand). VCF-style: chr16-88733450-G-A. GRCh37 (hg19) VCF-style: chr16-88799858-G-A.
Other names: short protein forms S831L.
Identifiers: ClinVar variation 829803 (VCV000829803.3), dbSNP rs1471934686, ClinGen allele CA397111970.

ClinVar aggregate classification (germline): Conflicting classifications of pathogenicity. Review status: criteria provided, conflicting classifications (1 of 4 stars). 2 submissions from 2 submitters: Likely pathogenic (1); Uncertain significance (1). Last evaluated 2020-07-07.

Conditions:
Lymphatic malformation 6 (LMPHM6). Also called: GENERALIZED LYMPHATIC DYSPLASIA OF FOTIOU; Lymphedema, hereditary, III; PIEZO1-related generalized lymphatic dysplasia with non-immune hydrops fetalis. Identifiers: Orphanet 568062, MedGen C4225184, MONDO:0014797, OMIM 616843.

Allele frequency attached by ClinVar (database versions not stated): TOPMed 0.00001; gnomAD 0.00002; gnomAD exomes 0.00001.

Submissions (2):

GeneDx
Classification: Likely pathogenic. Last evaluated: 2020-07-07. Review status: criteria provided, single submitter. Criteria: GeneDx Variant Classification Process June 2021. Collection method: clinical testing. Allele origin: germline. Affected: yes.
Comment: Has not been previously published as pathogenic or benign to our knowledge; In silico analysis, which includes protein predictors and evolutionary conservation, supports a deleterious effect

HudsonAlpha Institute for Biotechnology
Classification: Uncertain significance for Lymphatic malformation 6. Last evaluated: 2019-10-23. Review status: criteria provided, single submitter. Criteria: ACMG Guidelines, 2015. Collection method: research. Allele origin: paternal. Affected: yes. Observed: 1 variant allele. Study: CSER-SouthSeq.
Comment: ACMG codes: PM2, PM3, PP3